The following is an entry in ClinVar:

NM_022124.6(CDH23):c.1847A>G (p.Glu616Gly)

Gene: CDH23 (cadherin related 23; plus strand). Cytogenetic location: 10q22.1.
Variant type: single nucleotide variant.
Coding change: c.1847A>G on transcript NM_022124.6 (MANE Select); coding-DNA position 1847, A replaced by G.
Protein change: p.Glu616Gly; replaces glutamic acid 616 with glycine.
Molecular consequence: missense variant.
Genome position (GRCh38, 1-based): chr10:71,679,481, A>G. VCF-style: chr10-71679481-A-G. GRCh37 (hg19) VCF-style: chr10-73439238-A-G.
Other names: c.1847A>G, p.Glu616Gly (NM_001171931.2, NM_001171930.2); short protein forms E616G.
Identifiers: ClinVar variation 955558 (VCV000955558.5), dbSNP rs763577236, ClinGen allele CA5543976.

ClinVar aggregate classification (germline): Uncertain significance. Review status: criteria provided, multiple submitters, no conflicts (2 of 4 stars). 3 submissions from 3 submitters: Uncertain significance (2). 1 of the submissions does not count toward it. Last evaluated 2022-07-05.

Conditions:
Usher syndrome type 1 (USH1). Also called: RETINITIS PIGMENTOSA AND CONGENITAL DEAFNESS. Identifiers: Orphanet 231169, Orphanet 886, MedGen C1568247, MONDO:0010168, OMIM 276900.
Autosomal recessive nonsyndromic hearing loss 12. Also called: DEAFNESS, AUTOSOMAL RECESSIVE 12. Identifiers: Orphanet 90636, MedGen C1832394, MONDO:0011067, OMIM 601386.

Allele frequency attached by ClinVar (database versions not stated): gnomAD 0.00001; TOPMed 0.00002; gnomAD exomes 0.00003 and 0.00007; ExAC 0.00008.
gnomAD v4.1: 19 of 1,607,964 alleles (0.0012%); highest among the groups gnomAD compares: Admixed American, 0.032%; no homozygotes.

Submissions (3):

Labcorp Genetics (formerly Invitae), Labcorp
Classification: Uncertain significance. Last evaluated: 2022-07-05. Review status: criteria provided, single submitter. Criteria: Invitae Variant Classification Sherloc (09022015). Collection method: clinical testing. Allele origin: germline.
Comment: This sequence change replaces glutamic acid, which is acidic and polar, with glycine, which is neutral and non-polar, at codon 616 of the CDH23 protein (p.Glu616Gly). This variant is present in population databases (rs763577236, gnomAD 0.05%). This variant has not been reported in the literature in individuals affected with CDH23-related conditions. ClinVar contains an entry for this variant (Variation ID: 955558). Algorithms developed to predict the effect of missense changes on protein structure and function are either unavailable or do not agree on the potential impact of this missense change (SIFT: "Deleterious"; PolyPhen-2: "Not Available"; Align-GVGD: "Class C65"). In summary, the available evidence is currently insufficient to determine the role of this variant in disease. Therefore, it has been classified as a Variant of Uncertain Significance.

Baylor Genetics
Classification: Uncertain significance for Autosomal recessive nonsyndromic hearing loss 12. Last evaluated: 2018-02-08. Review status: criteria provided, single submitter. Criteria: ACMG Guidelines, 2015. Collection method: clinical testing. Allele origin: paternal. Affected: yes.
Comment: This variant was determined to be of uncertain significance according to ACMG Guidelines, 2015 [PMID:25741868].

Natera, Inc.
Classification: Uncertain significance for Usher syndrome type 1. Last evaluated: 2020-07-01. Review status: no assertion criteria provided. Collection method: clinical testing. Allele origin: germline. Not counted in ClinVar's aggregate classification.